The following is an entry in ClinVar:

ClinVar aggregate classification (germline): Uncertain significance (1 of 4 stars; one submission).

Allele frequency attached by ClinVar (database versions not stated): gnomAD exomes below 0.00001; TOPMed 0.00001.
gnomAD v4.1: 7 of 1,614,090 alleles (0.00043%); highest among the groups gnomAD compares: Non-Finnish European, 0.00059%; no homozygotes.

Submission:

Ambry Genetics
Classification: Uncertain significance. Last evaluated: 2022-09-28. Review status: criteria provided, single submitter. Criteria: Ambry Variant Classification Scheme 2023. Collection method: clinical testing. Allele origin: germline.
Comment: The p.A467V variant (also known as c.1400C>T), located in coding exon 6 of the PALLD gene, results from a C to T substitution at nucleotide position 1400. The alanine at codon 467 is replaced by valine, an amino acid with similar properties. This amino acid position is conserved. In addition, this alteration is predicted to be tolerated by in silico analysis. Since supporting evidence is limited at this time, the clinical significance of this alteration remains unclear.

NM_001166108.2(PALLD):c.1400C>T (p.Ala467Val)

Gene: PALLD (palladin, cytoskeletal associated protein; plus strand). Cytogenetic location: 4q32.3.
Variant type: single nucleotide variant.
Coding change: c.1400C>T on transcript NM_001166108.2 (MANE Select); coding-DNA position 1400, C replaced by T.
Protein change: p.Ala467Val; replaces alanine 467 with valine.
Molecular consequence: missense variant.
Genome position (GRCh38, 1-based): chr4:168,690,667, C>T. VCF-style: chr4-168690667-C-T. GRCh37 (hg19) VCF-style: chr4-169611818-C-T.
Other names: c.254C>T, p.Ala85Val (NM_001166109.2); c.1400C>T, p.Ala467Val (NM_016081.4); short protein forms A467V, A85V.
Identifiers: ClinVar variation 1771788 (VCV001771788.2), dbSNP rs1316768646, ClinGen allele CA358795654.